The following is an entry in ClinVar:

NM_001999.4(FBN2):c.3985T>C (p.Cys1329Arg)

Gene: FBN2 (fibrillin 2; minus strand). Cytogenetic location: 5q23.3.
Variant type: single nucleotide variant.
Coding change: c.3985T>C on transcript NM_001999.4 (MANE Select); coding-DNA position 3985, T replaced by C.
Protein change: p.Cys1329Arg; replaces cysteine 1329 with arginine.
Molecular consequence: missense variant.
Genome position (GRCh38, 1-based): chr5:128,334,833, A>G on the plus strand (T>C on the coding strand, the complement: FBN2 is on the minus strand). VCF-style: chr5-128334833-A-G. GRCh37 (hg19) VCF-style: chr5-127670525-A-G.
Other names: short protein forms C1329R.
Identifiers: ClinVar variation 1312162 (VCV001312162.2), dbSNP rs2126895513, ClinGen allele CA360757241.
Genomic context (GRCh38, chr5:128,334,833, plus strand): 5'-TGAAGGATCCCTTTGTGTTCTCACATTCCCCAAACATGCAGATATTTGAATTTAGGTCAC[A>G]TTCATTGACATCTAGAAAATTTATTTTCAATATCTTAGTATGTGCTCATCACAGTAATTT-3'
Protein context (NP_001990.2, residues 1319-1339): DMKTCIDVNE[Cys1329Arg]DLNSNICMFG

ClinVar aggregate classification (germline): Uncertain significance (1 of 4 stars; one submission).

Submission:

GeneDx
Classification: Uncertain significance. Last evaluated: 2021-09-03. Review status: criteria provided, single submitter. Criteria: GeneDx Variant Classification Process June 2021. Collection method: clinical testing. Allele origin: germline. Affected: yes.
Comment: Has not been previously published as pathogenic or benign to our knowledge; Not observed in large population cohorts (Lek et al., 2016); In silico analysis supports that this missense variant has a deleterious effect on protein structure/function